The following is an entry in ClinVar:

ClinVar aggregate classification (germline): Likely benign. Review status: criteria provided, multiple submitters, no conflicts (2 of 4 stars). 2 submissions from 2 submitters: Likely benign (2). Last evaluated 2026-06-22.

Conditions:
Retinoblastoma (RB1). Also called: RETINOBLASTOMA, SOMATIC. Identifiers: Orphanet 790, MedGen C0035335, MeSH D012175, MONDO:0008380, OMIM 180200, HP:0009919. Disease mechanism: loss of function. Inheritance: Both sporadic and heritable forms are tested..

Allele frequency attached by ClinVar (database versions not stated): ExAC 0.00002; gnomAD exomes below 0.00001 and 0.00001; gnomAD 0.00002; TOPMed 0.00002.
gnomAD v4.1: 5 of 1,372,722 alleles (0.00036%); highest among the groups gnomAD compares: African/African-American, 0.0043%; no homozygotes.

Submissions (2):

Myriad Genetics, Inc.
Classification: Likely benign for Retinoblastoma. Last evaluated: 2026-06-22. Review status: criteria provided, single submitter. Criteria: Myriad Autosomal Dominant, Autosomal Recessive and X-Linked Classification Criteria (2023). Collection method: clinical testing. Allele origin: unknown.
Comment: This variant is considered likely benign. This variant is intronic and is not expected to impact mRNA splicing.

Labcorp Genetics (formerly Invitae), Labcorp
Classification: Likely benign for Retinoblastoma. Last evaluated: 2025-11-18. Review status: criteria provided, single submitter. Criteria: Invitae Variant Classification Sherloc (09022015). Collection method: clinical testing. Allele origin: germline.

NM_000321.3(RB1):c.2107-18C>T

Gene: RB1 (RB transcriptional corepressor 1; plus strand). Cytogenetic location: 13q14.2.
Variant type: single nucleotide variant.
Coding change: c.2107-18C>T on transcript NM_000321.3 (MANE Select); 18 bases into the intron before coding-DNA position 2107, C replaced by T.
Molecular consequence: intron variant.
Genome position (GRCh38, 1-based): chr13:48,463,713, C>T. VCF-style: chr13-48463713-C-T. GRCh37 (hg19) VCF-style: chr13-49037849-C-T.
Identifiers: ClinVar variation 1623917 (VCV001623917.9), dbSNP rs769658795, ClinGen allele CA034252.